The following is an entry in ClinVar:

ClinVar aggregate classification (germline): Uncertain significance (1 of 4 stars; one submission).

Conditions:
Familial hemophagocytic lymphohistiocytosis 2 (FHL2). Also called: PRF1-Related Familial Hemophagocytic Lymphohistiocytosis (PRF1-fHLH). Identifiers: Orphanet 540, MedGen C1863727, MONDO:0011337, OMIM 603553.

Allele frequency attached by ClinVar (database versions not stated): gnomAD exomes below 0.00001.
gnomAD v4.1: 1 of 1,613,704 alleles (0.000062%); highest among the groups gnomAD compares: African/African-American, 0.0013%; no homozygotes.

Submission:

Labcorp Genetics (formerly Invitae), Labcorp
Classification: Uncertain significance for Familial hemophagocytic lymphohistiocytosis 2. Last evaluated: 2022-02-10. Review status: criteria provided, single submitter. Criteria: Invitae Variant Classification Sherloc (09022015). Collection method: clinical testing. Allele origin: germline.
Comment: In summary, the available evidence is currently insufficient to determine the role of this variant in disease. Therefore, it has been classified as a Variant of Uncertain Significance. Algorithms developed to predict the effect of missense changes on protein structure and function (SIFT, PolyPhen-2, Align-GVGD) all suggest that this variant is likely to be tolerated. This variant has not been reported in the literature in individuals affected with PRF1-related conditions. This variant is not present in population databases (gnomAD no frequency). This sequence change replaces isoleucine, which is neutral and non-polar, with threonine, which is neutral and polar, at codon 422 of the PRF1 protein (p.Ile422Thr).

NM_001083116.3(PRF1):c.1265T>C (p.Ile422Thr)

Gene: PRF1 (perforin 1; minus strand). Cytogenetic location: 10q22.1.
Variant type: single nucleotide variant.
Coding change: c.1265T>C on transcript NM_001083116.3 (MANE Select); coding-DNA position 1265, T replaced by C.
Protein change: p.Ile422Thr; replaces isoleucine 422 with threonine.
Molecular consequence: missense variant.
Genome position (GRCh38, 1-based): chr10:70,598,456, A>G on the plus strand (T>C on the coding strand, the complement: PRF1 is on the minus strand). VCF-style: chr10-70598456-A-G. GRCh37 (hg19) VCF-style: chr10-72358212-A-G.
Other names: c.1265T>C, p.Ile422Thr (NM_005041.6); short protein forms I422T.
Identifiers: ClinVar variation 1371698 (VCV001371698.8), dbSNP rs2132475412, ClinGen allele CA376956303.